The following is an entry in ClinVar:

NM_032193.4(RNASEH2C):c.364G>A (p.Ala122Thr)

Gene: RNASEH2C (ribonuclease H2 subunit C; minus strand). Cytogenetic location: 11q13.1.
Variant type: single nucleotide variant.
Coding change: c.364G>A on transcript NM_032193.4 (MANE Select); coding-DNA position 364, G replaced by A.
Protein change: p.Ala122Thr; replaces alanine 122 with threonine.
Molecular consequence: missense variant.
Genome position (GRCh38, 1-based): chr11:65,720,149, C>T on the plus strand (G>A on the coding strand, the complement: RNASEH2C is on the minus strand). VCF-style: chr11-65720149-C-T. GRCh37 (hg19) VCF-style: chr11-65487620-C-T.
Other names: short protein forms A122T.
Identifiers: ClinVar variation 2090252 (VCV002090252.4), dbSNP rs2135652473, ClinGen allele CA381298223.

ClinVar aggregate classification (germline): Uncertain significance (1 of 4 stars; one submission).

Conditions:
Aicardi-Goutieres syndrome 3. Identifiers: Orphanet 51, MedGen C1835916, MONDO:0012471, OMIM 610329.

Allele frequency attached by ClinVar (database versions not stated): gnomAD exomes below 0.00001.

Submission:

Labcorp Genetics (formerly Invitae), Labcorp
Classification: Uncertain significance for Aicardi-Goutieres syndrome 3. Last evaluated: 2022-08-15. Review status: criteria provided, single submitter. Criteria: Invitae Variant Classification Sherloc (09022015). Collection method: clinical testing. Allele origin: germline.
Comment: This variant is not present in population databases (gnomAD no frequency). This sequence change replaces alanine, which is neutral and non-polar, with threonine, which is neutral and polar, at codon 122 of the RNASEH2C protein (p.Ala122Thr). This variant has not been reported in the literature in individuals affected with RNASEH2C-related conditions. In summary, the available evidence is currently insufficient to determine the role of this variant in disease. Therefore, it has been classified as a Variant of Uncertain Significance. Algorithms developed to predict the effect of missense changes on protein structure and function are either unavailable or do not agree on the potential impact of this missense change (SIFT: "Tolerated"; PolyPhen-2: "Probably Damaging"; Align-GVGD: "Class C0").